The following is an entry in ClinVar:

NM_031407.7(HUWE1):c.9914G>A (p.Arg3305His)

Gene: HUWE1 (HECT, UBA and WWE domain containing E3 ubiquitin protein ligase 1; minus strand). Cytogenetic location: Xp11.22.
Variant type: single nucleotide variant.
Coding change: c.9914G>A on transcript NM_031407.7 (MANE Select); coding-DNA position 9914, G replaced by A.
Protein change: p.Arg3305His; replaces arginine 3305 with histidine.
Molecular consequence: missense variant.
Genome position (GRCh38, 1-based): chrX:53,549,080, C>T on the plus strand (G>A on the coding strand, the complement: HUWE1 is on the minus strand). VCF-style: chrX-53549080-C-T. GRCh37 (hg19) VCF-style: chrX-53576041-C-T.
Other names: short protein forms R3305H.
Identifiers: ClinVar variation 3361724 (VCV003361724.1).

ClinVar aggregate classification (germline): Uncertain significance (1 of 4 stars; one submission).

gnomAD v4.1: 3 of 1,209,975 alleles (0.00025%); highest among the groups gnomAD compares: Non-Finnish European, 0.00034%; no homozygotes.

Submission:

GeneDx
Classification: Uncertain significance. Last evaluated: 2023-07-31. Review status: criteria provided, single submitter. Criteria: GeneDx Variant Classification Process June 2021. Collection method: clinical testing. Allele origin: germline. Affected: yes.
Comment: Not observed at significant frequency in large population cohorts (gnomAD); In silico analysis supports that this missense variant has a deleterious effect on protein structure/function; Has not been previously published as pathogenic or benign to our knowledge